The following is an entry in ClinVar:

NM_000282.4(PCCA):c.915C>G (p.Ser305Arg)

Gene: PCCA (propionyl-CoA carboxylase subunit alpha; plus strand). Cytogenetic location: 13q32.3.
Variant type: single nucleotide variant.
Coding change: c.915C>G on transcript NM_000282.4 (MANE Select); coding-DNA position 915, C replaced by G.
Protein change: p.Ser305Arg; replaces serine 305 with arginine.
Molecular consequence: missense variant. On other transcripts: 5 prime UTR variant (3), non-coding transcript variant (5).
Genome position (GRCh38, 1-based): chr13:100,273,196, C>G. VCF-style: chr13-100273196-C-G. GRCh37 (hg19) VCF-style: chr13-100925450-C-G.
Other names: c.837C>G, p.Ser279Arg (NM_001127692.3, NM_001352607.2, NM_001352608.2); c.915C>G, p.Ser305Arg (NM_001178004.2, NM_001352605.2, NM_001352606.2 and 1 more transcripts); c.-31C>G (NM_001352610.2, NM_001352611.2, NM_001352612.2); short protein forms S305R, S279R.
Identifiers: ClinVar variation 568261 (VCV000568261.4), dbSNP rs768758704, ClinGen allele CA388694673.

ClinVar aggregate classification (germline): Uncertain significance (1 of 4 stars; one submission).

Conditions:
Propionic acidemia (PROP). Also called: GLYCINEMIA, KETOTIC; HYPERGLYCINEMIA WITH KETOACIDOSIS AND LEUKOPENIA; KETOTIC HYPERGLYCINEMIA. Identifiers: Orphanet 35, MedGen C0268579, MONDO:0011628, OMIM 606054, HP:0003571.

Submission:

Labcorp Genetics (formerly Invitae), Labcorp
Classification: Uncertain significance for Propionic acidemia. Last evaluated: 2025-10-06. Review status: criteria provided, single submitter. Criteria: Invitae Variant Classification Sherloc (09022015). Collection method: clinical testing. Allele origin: germline.
Comment: This sequence change replaces serine, which is neutral and polar, with arginine, which is basic and polar, at codon 305 of the PCCA protein (p.Ser305Arg). This variant is not present in population databases (gnomAD no frequency). This variant has not been reported in the literature in individuals affected with PCCA-related conditions. ClinVar contains an entry for this variant (Variation ID: 568261). An algorithm developed to predict the effect of missense changes on protein structure and function (PolyPhen-2) suggests that this variant is likely to be disruptive. In summary, the available evidence is currently insufficient to determine the role of this variant in disease. Therefore, it has been classified as a Variant of Uncertain Significance.